The following is an entry in ClinVar:

NM_000478.6(ALPL):c.1048C>A (p.His350Asn)

Gene: ALPL (alkaline phosphatase, biomineralization associated; plus strand). Cytogenetic location: 1p36.12.
Variant type: single nucleotide variant.
Coding change: c.1048C>A on transcript NM_000478.6 (MANE Select); coding-DNA position 1048, C replaced by A.
Protein change: p.His350Asn; replaces histidine 350 with asparagine.
Molecular consequence: missense variant.
Genome position (GRCh38, 1-based): chr1:21,575,783, C>A. VCF-style: chr1-21575783-C-A. GRCh37 (hg19) VCF-style: chr1-21902276-C-A.
Other names: c.883C>A, p.His295Asn (NM_001127501.4); c.817C>A, p.His273Asn (NM_001177520.3); c.1048C>A, p.His350Asn (NM_001369803.2, NM_001369804.2, NM_001369805.2); short protein forms H295N, H350N, H273N.
Identifiers: ClinVar variation 3692224 (VCV003692224.3).
Genomic context (GRCh38, chr1:21,575,783, plus strand): 5'-GTGTCCCAAGGAGGCAGAATTGACCACGGGCACCATGAAGGAAAAGCCAAGCAGGCCCTG[C>A]ATGAGGCGGTGGAGATGGACCGGGCCATCGGGCAGGCAGGCAGCTTGACCTCCTCGGAAG-3'
Protein context (NP_000469.3, residues 340-360): HHEGKAKQAL[His350Asn]EAVEMDRAIG

ClinVar aggregate classification (germline): Uncertain significance. Review status: criteria provided, multiple submitters, no conflicts (2 of 4 stars). 2 submissions from 2 submitters: Uncertain significance (2). Last evaluated 2024-06-15.

Submissions (2):

Labcorp Genetics (formerly Invitae), Labcorp
Classification: Uncertain significance. Last evaluated: 2024-06-15. Review status: criteria provided, single submitter. Criteria: Invitae Variant Classification Sherloc (09022015). Collection method: clinical testing. Allele origin: germline.
Comment: This sequence change replaces histidine, which is basic and polar, with asparagine, which is neutral and polar, at codon 350 of the ALPL protein (p.His350Asn). This variant is not present in population databases (gnomAD no frequency). This variant has not been reported in the literature in individuals affected with ALPL-related conditions. Advanced modeling of protein sequence and biophysical properties (such as structural, functional, and spatial information, amino acid conservation, physicochemical variation, residue mobility, and thermodynamic stability) performed at Invitae indicates that this missense variant is expected to disrupt ALPL protein function with a positive predictive value of 95%. In summary, the available evidence is currently insufficient to determine the role of this variant in disease. Therefore, it has been classified as a Variant of Uncertain Significance.

Blueprint Genetics
Classification: Uncertain significance. Last evaluated: 2024-04-05. Review status: criteria provided, single submitter. Criteria: ACMG Guidelines, 2015. Collection method: clinical testing. Allele origin: germline.